The following is an entry in ClinVar:

NM_138694.4(PKHD1):c.2705A>G (p.Gln902Arg)

Gene: PKHD1 (PKHD1 ciliary IPT domain containing fibrocystin/polyductin; minus strand). Cytogenetic location: 6p12.2.
Variant type: single nucleotide variant.
Coding change: c.2705A>G on transcript NM_138694.4 (MANE Select); coding-DNA position 2705, A replaced by G.
Protein change: p.Gln902Arg; replaces glutamine 902 with arginine.
Molecular consequence: missense variant.
Genome position (GRCh38, 1-based): chr6:52,044,976, T>C on the plus strand (A>G on the coding strand, the complement: PKHD1 is on the minus strand). VCF-style: chr6-52044976-T-C. GRCh37 (hg19) VCF-style: chr6-51909774-T-C.
Other names: c.2705A>G, p.Gln902Arg (NM_170724.3); short protein forms Q902R.
Identifiers: ClinVar variation 4752989 (VCV004752989.1).

ClinVar aggregate classification (germline): Uncertain significance (1 of 4 stars; one submission).

Conditions:
Autosomal recessive polycystic kidney disease (ARPKD). Also called: AR polycystic kidney disease. Identifiers: Orphanet 731, Orphanet 8378, MedGen C0085548, MeSH D017044, MONDO:0009889.

gnomAD v4.1: 3 of 1,613,632 alleles (0.00019%); highest among the groups gnomAD compares: South Asian, 0.0011%; no homozygotes.

Submission:

Labcorp Genetics (formerly Invitae), Labcorp
Classification: Uncertain significance for Autosomal recessive polycystic kidney disease. Last evaluated: 2025-11-25. Review status: criteria provided, single submitter. Criteria: Invitae Variant Classification Sherloc (09022015). Collection method: clinical testing. Allele origin: germline.
Comment: This sequence change replaces glutamine, which is neutral and polar, with arginine, which is basic and polar, at codon 902 of the PKHD1 protein (p.Gln902Arg). This variant is not present in population databases (gnomAD no frequency). This variant has not been reported in the literature in individuals affected with PKHD1-related conditions. Invitae Evidence Modeling of protein sequence and biophysical properties (such as structural, functional, and spatial information, amino acid conservation, physicochemical variation, residue mobility, and thermodynamic stability) indicates that this missense variant is not expected to disrupt PKHD1 protein function with a negative predictive value of 95%. In summary, the available evidence is currently insufficient to determine the role of this variant in disease. Therefore, it has been classified as a Variant of Uncertain Significance.